The following is an entry in ClinVar:

ClinVar aggregate classification (germline): Conflicting classifications of pathogenicity. Review status: criteria provided, conflicting classifications (1 of 4 stars). 2 submissions from 2 submitters: Uncertain significance (1); Likely benign (1). Last evaluated 2025-07-21.

Allele frequency attached by ClinVar (database versions not stated): TOPMed 0.00005; ExAC 0.00006; gnomAD exomes 0.00006; gnomAD 0.00007; 1000 Genomes Project 30x 0.00016; 1000 Genomes Project 0.00020.
gnomAD v4.1: 241 of 1,613,878 alleles (0.015%); highest among the groups gnomAD compares: Non-Finnish European, 0.018%; no homozygotes.

Submissions (2):

Labcorp Genetics (formerly Invitae), Labcorp
Classification: Uncertain significance. Last evaluated: 2025-07-21. Review status: criteria provided, single submitter. Criteria: Invitae Variant Classification Sherloc (09022015). Collection method: clinical testing. Allele origin: germline.
Comment: This sequence change replaces arginine, which is basic and polar, with glutamine, which is neutral and polar, at codon 458 of the EPHB4 protein (p.Arg458Gln). This variant is present in population databases (rs542863867, gnomAD 0.01%). This variant has not been reported in the literature in individuals affected with EPHB4-related conditions. ClinVar contains an entry for this variant (Variation ID: 1363645). Invitae Evidence Modeling of protein sequence and biophysical properties (such as structural, functional, and spatial information, amino acid conservation, physicochemical variation, residue mobility, and thermodynamic stability) indicates that this missense variant is not expected to disrupt EPHB4 protein function with a negative predictive value of 95%. In summary, the available evidence is currently insufficient to determine the role of this variant in disease. Therefore, it has been classified as a Variant of Uncertain Significance.

CeGaT Center for Human Genetics Tuebingen
Classification: Likely benign. Last evaluated: 2022-06-01. Review status: criteria provided, single submitter. Criteria: CeGaT Center For Human Genetics Tuebingen Variant Classification Criteria Version 2. Collection method: clinical testing. Allele origin: germline. Affected: yes. Observed: 1 variant allele.
Comment: EPHB4: BP4

NM_004444.5(EPHB4):c.1373G>A (p.Arg458Gln)

Gene: EPHB4 (EPH receptor B4; minus strand). Cytogenetic location: 7q22.1.
Variant type: single nucleotide variant.
Coding change: c.1373G>A on transcript NM_004444.5 (MANE Select); coding-DNA position 1373, G replaced by A.
Protein change: p.Arg458Gln; replaces arginine 458 with glutamine.
Molecular consequence: missense variant.
Genome position (GRCh38, 1-based): chr7:100,818,569, C>T on the plus strand (G>A on the coding strand, the complement: EPHB4 is on the minus strand). VCF-style: chr7-100818569-C-T. GRCh37 (hg19) VCF-style: chr7-100416191-C-T.
Other names: short protein forms R458Q.
Identifiers: ClinVar variation 1363645 (VCV001363645.31), dbSNP rs542863867, ClinGen allele CA4393009.